The following is an entry in ClinVar:

ClinVar aggregate classification (germline): Likely benign. Review status: criteria provided, multiple submitters, no conflicts (2 of 4 stars). 3 submissions from 3 submitters: Likely benign (3). Last evaluated 2025-01-02.

Allele frequency attached by ClinVar (database versions not stated): gnomAD exomes 0.00002 and 0.00010; gnomAD 0.00008 and 0.00009; ExAC 0.00009; TOPMed 0.00010; 1000 Genomes Project 30x 0.00016; 1000 Genomes Project 0.00020; ESP Exome Variant Server 0.00046.
gnomAD v4.1: 51 of 1,614,128 alleles (0.0032%); highest among the groups gnomAD compares: South Asian, 0.032%; no homozygotes.

Submissions (3):

Labcorp Genetics (formerly Invitae), Labcorp
Classification: Likely benign. Last evaluated: 2025-01-02. Review status: criteria provided, single submitter. Criteria: Invitae Variant Classification Sherloc (09022015). Collection method: clinical testing. Allele origin: germline.

Blueprint Genetics
Classification: Likely benign. Last evaluated: 2021-09-20. Review status: criteria provided, single submitter. Criteria: ACMG Guidelines, 2015. Collection method: clinical testing. Allele origin: germline.

GeneDx
Classification: Likely benign. Last evaluated: 2017-06-12. Review status: criteria provided, single submitter. Criteria: GeneDx Variant Classification (06012015). Collection method: clinical testing. Allele origin: germline. Affected: yes.
Comment: This variant is considered likely benign or benign based on one or more of the following criteria: it is a conservative change, it occurs at a poorly conserved position in the protein, it is predicted to be benign by multiple in silico algorithms, and/or has population frequency not consistent with disease.

NM_006996.3(SLC19A2):c.633A>G (p.Pro211=)

Gene: SLC19A2 (solute carrier family 19 member 2; minus strand). Cytogenetic location: 1q24.2.
Variant type: single nucleotide variant.
Coding change: c.633A>G on transcript NM_006996.3 (MANE Select); coding-DNA position 633, A replaced by G.
Protein change: p.Pro211=; no amino-acid change (proline 211 retained).
Molecular consequence: synonymous variant. On other transcripts: intron variant (1).
Genome position (GRCh38, 1-based): chr1:169,477,329, T>C on the plus strand (A>G on the coding strand, the complement: SLC19A2 is on the minus strand). VCF-style: chr1-169477329-T-C. GRCh37 (hg19) VCF-style: chr1-169446567-T-C.
Other names: c.205-7143A>G (NM_001319667.1).
Identifiers: ClinVar variation 517893 (VCV000517893.7), dbSNP rs373838257, ClinGen allele CA1233034.